The following is an entry in ClinVar:

ClinVar aggregate classification (germline): Uncertain significance (1 of 4 stars; one submission).

Conditions:
Duchenne muscular dystrophy (DMD). Also called: Duchenne Muscular Dystrophy (DMD); MUSCULAR DYSTROPHY, PSEUDOHYPERTROPHIC PROGRESSIVE, DUCHENNE TYPE. Identifiers: Orphanet 98896, MedGen C0013264, MONDO:0010679, OMIM 310200.

Submission:

Labcorp Genetics (formerly Invitae), Labcorp
Classification: Uncertain significance for Duchenne muscular dystrophy. Last evaluated: 2024-02-24. Review status: criteria provided, single submitter. Criteria: Invitae Variant Classification Sherloc (09022015). Collection method: clinical testing. Allele origin: germline.
Comment: This sequence change replaces alanine, which is neutral and non-polar, with threonine, which is neutral and polar, at codon 2546 of the DMD protein (p.Ala2546Thr). This variant is not present in population databases (gnomAD no frequency). This variant has not been reported in the literature in individuals affected with DMD-related conditions. ClinVar contains an entry for this variant (Variation ID: 1484576). Advanced modeling of protein sequence and biophysical properties (such as structural, functional, and spatial information, amino acid conservation, physicochemical variation, residue mobility, and thermodynamic stability) performed at Invitae indicates that this missense variant is not expected to disrupt DMD protein function with a negative predictive value of 95%. In summary, the available evidence is currently insufficient to determine the role of this variant in disease. Therefore, it has been classified as a Variant of Uncertain Significance.

NM_004006.3(DMD):c.7636G>A (p.Ala2546Thr)

Gene: DMD (dystrophin; minus strand). Cytogenetic location: Xp21.1.
Variant type: single nucleotide variant.
Coding change: c.7636G>A on transcript NM_004006.3 (MANE Select); coding-DNA position 7636, G replaced by A.
Protein change: p.Ala2546Thr; replaces alanine 2546 with threonine.
Molecular consequence: missense variant.
Genome position (GRCh38, 1-based): chrX:31,729,655, C>T on the plus strand (G>A on the coding strand, the complement: DMD is on the minus strand). VCF-style: chrX-31729655-C-T. GRCh37 (hg19) VCF-style: chrX-31747772-C-T.
Other names: c.7612G>A, p.Ala2538Thr (NM_000109.4); c.7624G>A, p.Ala2542Thr (NM_004009.3); c.7267G>A, p.Ala2423Thr (NM_004010.3); c.3613G>A, p.Ala1205Thr (NM_004011.4); c.3604G>A, p.Ala1202Thr (NM_004012.4); c.256G>A, p.Ala86Thr (NM_004013.3, NM_004020.4, NM_004021.3 and 2 more transcripts); short protein forms A2542T, A2546T, A86T, A1205T, A2423T, A1202T, A2538T.
Identifiers: ClinVar variation 1484576 (VCV001484576.6), dbSNP rs1368936548, ClinGen allele CA412657519.